The following is an entry in ClinVar:

NM_004369.4(COL6A3):c.1313-303T>C

Gene: COL6A3 (collagen type VI alpha 3 chain; minus strand). Cytogenetic location: 2q37.3.
Variant type: single nucleotide variant.
Coding change: c.1313-303T>C on transcript NM_004369.4 (MANE Select); 303 bases into the intron before coding-DNA position 1313, T replaced by C.
Molecular consequence: intron variant.
Genome position (GRCh38, 1-based): chr2:237,381,802, A>G on the plus strand (T>C on the coding strand, the complement: COL6A3 is on the minus strand). VCF-style: chr2-237381802-A-G. GRCh37 (hg19) VCF-style: chr2-238290445-A-G.
Other names: c.92-303T>C (NM_057166.5, NM_057164.5); c.695-303T>C (NM_057167.4, NM_057165.5).
Identifiers: ClinVar variation 673581 (VCV000673581.1), dbSNP rs115886960, ClinGen allele CA67831209.

ClinVar aggregate classification (germline): Benign (1 of 4 stars; one submission).

Allele frequency attached by ClinVar (database versions not stated): gnomAD 0.03009 and 0.03273; 1000 Genomes Project 0.03035; 1000 Genomes Project 30x 0.03232; TOPMed 0.03342.
gnomAD v4.1: 4,531 of 152,262 alleles (3%); highest among the groups gnomAD compares: African/African-American, 10%; 212 homozygotes.

Submission:

GeneDx
Classification: Benign. Last evaluated: 2018-06-16. Review status: criteria provided, single submitter. Criteria: GeneDx Variant Classification (06012015). Collection method: clinical testing. Allele origin: germline. Affected: yes.
Comment: This variant is considered likely benign or benign based on one or more of the following criteria: it is a conservative change, it occurs at a poorly conserved position in the protein, it is predicted to be benign by multiple in silico algorithms, and/or has population frequency not consistent with disease.